The following is an entry in ClinVar:

ClinVar aggregate classification (germline): Uncertain significance. Review status: criteria provided, multiple submitters, no conflicts (2 of 4 stars). 2 submissions from 2 submitters: Uncertain significance (2). Last evaluated 2024-02-21.

Conditions:
Inborn genetic diseases. Identifiers: MedGen C0950123, MeSH D030342.

Allele frequency attached by ClinVar (database versions not stated): TOPMed below 0.00001; gnomAD exomes 0.00001.
gnomAD v4.1: 8 of 1,597,564 alleles (0.0005%); highest among the groups gnomAD compares: East Asian, 0.018%; no homozygotes.

Submissions (2):

Ambry Genetics
Classification: Uncertain significance for Inborn genetic diseases. Last evaluated: 2024-02-21. Review status: criteria provided, single submitter. Criteria: Ambry Variant Classification Scheme 2023. Collection method: clinical testing. Allele origin: germline.

Labcorp Genetics (formerly Invitae), Labcorp
Classification: Uncertain significance. Last evaluated: 2022-09-13. Review status: criteria provided, single submitter. Criteria: Invitae Variant Classification Sherloc (09022015). Collection method: clinical testing. Allele origin: germline.
Comment: This sequence change replaces glycine, which is neutral and non-polar, with serine, which is neutral and polar, at codon 497 of the SLC24A5 protein (p.Gly497Ser). This variant is not present in population databases (gnomAD no frequency). This variant has not been reported in the literature in individuals affected with SLC24A5-related conditions. Algorithms developed to predict the effect of missense changes on protein structure and function (SIFT, PolyPhen-2, Align-GVGD) all suggest that this variant is likely to be tolerated. In summary, the available evidence is currently insufficient to determine the role of this variant in disease. Therefore, it has been classified as a Variant of Uncertain Significance.

NM_205850.3(SLC24A5):c.1489G>A (p.Gly497Ser)

Genes: MYEF2 (myelin expression factor 2; minus strand), SLC24A5 (solute carrier family 24 member 5; plus strand). Cytogenetic location: 15q21.1.
Variant type: single nucleotide variant.
Coding change: c.1489G>A on transcript NM_205850.3 (MANE Select); coding-DNA position 1489, G replaced by A.
Protein change: p.Gly497Ser; replaces glycine 497 with serine.
Molecular consequence: missense variant. On other transcripts: 3 prime UTR variant (2).
Genome position (GRCh38, 1-based): chr15:48,142,337, G>A. VCF-style: chr15-48142337-G-A. GRCh37 (hg19) VCF-style: chr15-48434534-G-A.
Other names: c.*571C>T (NM_001301210.2, NM_016132.5); short protein forms G497S.
Identifiers: ClinVar variation 2040584 (VCV002040584.5), dbSNP rs2039121180, ClinGen allele CA392454703.
Genomic context (GRCh38, chr15:48,142,337, plus strand): 5'-GGGCTTGCTACATTATCAGTTCTATATGAACTTGGAATTATTGGAAATAATAAAATAAGG[G>A]GCTGTGGAGGTTGATATTATTAATAGTGTTATGCAGAAAATATGAATGGCAGGGAGGGGC-3'
Protein context (NP_995322.1, residues 487-500): LGIIGNNKIR[Gly497Ser]CGG